The following is an entry in ClinVar:

ClinVar aggregate classification (germline): Uncertain significance (1 of 4 stars; one submission).

Allele frequency attached by ClinVar (database versions not stated): gnomAD exomes below 0.00001; TOPMed below 0.00001; gnomAD 0.00001.
gnomAD v4.1: 2 of 1,613,954 alleles (0.00012%); highest among the groups gnomAD compares: Non-Finnish European, 0.00017%; no homozygotes.

Submission:

Labcorp Genetics (formerly Invitae), Labcorp
Classification: Uncertain significance. Last evaluated: 2023-07-13. Review status: criteria provided, single submitter. Criteria: Invitae Variant Classification Sherloc (09022015). Collection method: clinical testing. Allele origin: germline.
Comment: This variant is present in population databases (no rsID available, gnomAD 0.0009%). This variant has not been reported in the literature in individuals affected with GRM1-related conditions. An algorithm developed to predict the effect of missense changes on protein structure and function (PolyPhen-2) suggests that this variant is likely to be tolerated. In summary, the available evidence is currently insufficient to determine the role of this variant in disease. Therefore, it has been classified as a Variant of Uncertain Significance. This sequence change replaces glutamine, which is neutral and polar, with arginine, which is basic and polar, at codon 513 of the GRM1 protein (p.Gln513Arg).

NM_001278064.2(GRM1):c.1538A>G (p.Gln513Arg)

Gene: GRM1 (glutamate metabotropic receptor 1; plus strand). Cytogenetic location: 6q24.3.
Variant type: single nucleotide variant.
Coding change: c.1538A>G on transcript NM_001278064.2 (MANE Select); coding-DNA position 1538, A replaced by G.
Protein change: p.Gln513Arg; replaces glutamine 513 with arginine.
Molecular consequence: missense variant.
Genome position (GRCh38, 1-based): chr6:146,357,630, A>G. VCF-style: chr6-146357630-A-G. GRCh37 (hg19) VCF-style: chr6-146678766-A-G.
Other names: c.1538A>G, p.Gln513Arg (NM_001278065.2, NM_001278066.1, NM_001278067.1); short protein forms Q513R.
Identifiers: ClinVar variation 2777531 (VCV002777531.3), dbSNP rs1182859586, ClinGen allele CA366189959.